The following is an entry in ClinVar:

NM_001105206.3(LAMA4):c.2574C>G (p.Phe858Leu)

Gene: LAMA4 (laminin subunit alpha 4; minus strand). Cytogenetic location: 6q21.
Variant type: single nucleotide variant.
Coding change: c.2574C>G on transcript NM_001105206.3 (MANE Select); coding-DNA position 2574, C replaced by G.
Protein change: p.Phe858Leu; replaces phenylalanine 858 with leucine.
Molecular consequence: missense variant.
Genome position (GRCh38, 1-based): chr6:112,142,212, G>C on the plus strand (C>G on the coding strand, the complement: LAMA4 is on the minus strand). VCF-style: chr6-112142212-G-C. GRCh37 (hg19) VCF-style: chr6-112463414-G-C.
Other names: c.2553C>G, p.Phe851Leu (NM_001105207.3, NM_002290.5); short protein forms F851L, F858L.
Identifiers: ClinVar variation 3717117 (VCV003717117.2).
Genomic context (GRCh38, chr6:112,142,212, plus strand): 5'-TGCAGTCTCGGTCAGTTCCGGCCGCTTCACAGGGGGTTTCATGTACAGGCTCAGAGACGT[G>C]AAGGCCTTTAAGTCATCCATACTGGTTCTCGAGTGCACTTCCACAGCTGACTGGCCATCA-3'
Protein context (NP_001098676.2, residues 848-868): SRTSMDDLKA[Phe858Leu]TSLSLYMKPP

ClinVar aggregate classification (germline): Uncertain significance (1 of 4 stars; one submission).

Conditions:
Dilated cardiomyopathy 1JJ (CMD1JJ). Identifiers: Orphanet 154, MedGen C3808935, MONDO:0014095, OMIM 615235.

Submission:

Labcorp Genetics (formerly Invitae), Labcorp
Classification: Uncertain significance for Dilated cardiomyopathy 1JJ. Last evaluated: 2024-10-15. Review status: criteria provided, single submitter. Criteria: Invitae Variant Classification Sherloc (09022015). Collection method: clinical testing. Allele origin: germline.
Comment: This sequence change replaces phenylalanine, which is neutral and non-polar, with leucine, which is neutral and non-polar, at codon 851 of the LAMA4 protein (p.Phe851Leu). This variant is not present in population databases (gnomAD no frequency). This variant has not been reported in the literature in individuals affected with LAMA4-related conditions. Invitae Evidence Modeling of protein sequence and biophysical properties (such as structural, functional, and spatial information, amino acid conservation, physicochemical variation, residue mobility, and thermodynamic stability) indicates that this missense variant is not expected to disrupt LAMA4 protein function with a negative predictive value of 80%. In summary, the available evidence is currently insufficient to determine the role of this variant in disease. Therefore, it has been classified as a Variant of Uncertain Significance.